The following is an entry in ClinVar:

ClinVar aggregate classification (germline): Uncertain significance (1 of 4 stars; one submission).

Allele frequency attached by ClinVar (database versions not stated): gnomAD 0.00002 and 0.00003; gnomAD exomes 0.00003 and 0.00005; ExAC 0.00006; 1000 Genomes Project 0.00020; 1000 Genomes Project 30x 0.00031.
gnomAD v4.1: 45 of 1,612,886 alleles (0.0028%); highest among the groups gnomAD compares: African/African-American, 0.013%; no homozygotes.

Submission:

GeneDx
Classification: Uncertain significance. Last evaluated: 2020-02-17. Review status: criteria provided, single submitter. Criteria: GeneDx Variant Classification Process June 2021. Collection method: clinical testing. Allele origin: germline. Affected: yes.
Comment: In silico analysis supports that this missense variant does not alter protein structure/function; Has not been previously published as pathogenic or benign to our knowledge

NM_015278.5(SASH1):c.3079G>A (p.Ala1027Thr)

Gene: SASH1 (SAM and SH3 domain containing 1; plus strand). Cytogenetic location: 6q25.1.
Variant type: single nucleotide variant.
Coding change: c.3079G>A on transcript NM_015278.5 (MANE Select); coding-DNA position 3079, G replaced by A.
Protein change: p.Ala1027Thr; replaces alanine 1027 with threonine.
Molecular consequence: missense variant.
Genome position (GRCh38, 1-based): chr6:148,544,549, G>A. VCF-style: chr6-148544549-G-A. GRCh37 (hg19) VCF-style: chr6-148865685-G-A.
Other names: c.2944G>A, p.Ala982Thr (NM_001346505.2); c.2707G>A, p.Ala903Thr (NM_001346506.2); c.2362G>A, p.Ala788Thr (NM_001346507.2); c.2851G>A, p.Ala951Thr (NM_001346508.2); c.2728G>A, p.Ala910Thr (NM_001346509.2); short protein forms A1027T, A788T, A903T, A910T, A951T, A982T.
Identifiers: ClinVar variation 1315337 (VCV001315337.2), dbSNP rs558121554, ClinGen allele CA4040751.